The following is an entry in ClinVar:

ClinVar aggregate classification (germline): Conflicting classifications of pathogenicity. Review status: criteria provided, conflicting classifications (1 of 4 stars). 2 submissions from 2 submitters: Likely pathogenic (1); Uncertain significance (1). Last evaluated 2025-10-14.

Conditions:
ACOX2-related disorder. Also called: ACOX2-related condition.
Congenital bile acid synthesis defect 6. Identifiers: MedGen C4310624, MONDO:0015015, OMIM 617308.

gnomAD v4.1: 83 of 1,614,158 alleles (0.0051%); highest among the groups gnomAD compares: South Asian, 0.054%; 2 homozygotes.

Submissions (2):

PreventionGenetics, part of Exact Sciences
Classification: Uncertain significance for ACOX2-related condition. Last evaluated: 2025-10-14. Review status: criteria provided, single submitter. Criteria: ACMG Guidelines, 2015. Collection method: clinical testing. Allele origin: germline.
Comment: The ACOX2 c.674G>A variant is predicted to result in the amino acid substitution p.Arg225Gln. This variant was reported in the homozygous state in an individual with recurrent elevated transaminases (rELT; Lülecioğlu et al. 2024. PubMed ID: 38864694). An alternate missense variant at the same amino acid position (p.Arg225Trp) has been reported in the homozygous and compound heterozygous states in individuals with congenital bile acid synthesis defect (Monte et al. 2017. PubMed ID: 27884763; Alonso-Peña et al. 2022. PubMed ID: 35395098). This variant is reported in 0.069% of alleles in individuals of South Asian descent in gnomAD. At this time, the clinical significance of this variant is uncertain due to the absence of conclusive functional and genetic evidence.

First Genomix Gene Laboratory, Genetic Diagnostics Department
Classification: Likely pathogenic for Congenital bile acid synthesis defect 6. Last evaluated: 2025-07-08. Review status: criteria provided, single submitter. Criteria: ACMG Guidelines, 2015. Collection method: clinical testing. Allele origin: germline. Inheritance: Autosomal recessive inheritance. Affected: no. Observed: 1 variant allele.

NM_003500.4(ACOX2):c.674G>A (p.Arg225Gln)

Gene: ACOX2 (acyl-CoA oxidase 2; minus strand). Cytogenetic location: 3p14.3.
Variant type: single nucleotide variant.
Coding change: c.674G>A on transcript NM_003500.4 (MANE Select); coding-DNA position 674, G replaced by A.
Protein change: p.Arg225Gln; replaces arginine 225 with glutamine.
Molecular consequence: missense variant.
Genome position (GRCh38, 1-based): chr3:58,531,722, C>T on the plus strand (G>A on the coding strand, the complement: ACOX2 is on the minus strand). VCF-style: chr3-58531722-C-T. GRCh37 (hg19) VCF-style: chr3-58517449-C-T.
Other names: c.674G>A (NM_003500.3); short protein forms R225Q.
Identifiers: ClinVar variation 4849335 (VCV004849335.2).